The following is an entry in ClinVar:

ClinVar aggregate classification (germline): Uncertain significance (1 of 4 stars; one submission).

Submission:

Labcorp Genetics (formerly Invitae), Labcorp
Classification: Uncertain significance. Last evaluated: 2023-05-30. Review status: criteria provided, single submitter. Criteria: Invitae Variant Classification Sherloc (09022015). Collection method: clinical testing. Allele origin: germline.
Comment: This sequence change replaces proline, which is neutral and non-polar, with arginine, which is basic and polar, at codon 2089 of the COL7A1 protein (p.Pro2089Arg). In summary, the available evidence is currently insufficient to determine the role of this variant in disease. Therefore, it has been classified as a Variant of Uncertain Significance. Advanced modeling of protein sequence and biophysical properties (such as structural, functional, and spatial information, amino acid conservation, physicochemical variation, residue mobility, and thermodynamic stability) performed at Invitae indicates that this missense variant is not expected to disrupt COL7A1 protein function. This variant has not been reported in the literature in individuals affected with COL7A1-related conditions. This variant is not present in population databases (gnomAD no frequency).

NM_000094.4(COL7A1):c.6266C>G (p.Pro2089Arg)

Gene: COL7A1 (collagen type VII alpha 1 chain; minus strand). Cytogenetic location: 3p21.31.
Variant type: single nucleotide variant.
Coding change: c.6266C>G on transcript NM_000094.4 (MANE Select); coding-DNA position 6266, C replaced by G.
Protein change: p.Pro2089Arg; replaces proline 2089 with arginine.
Molecular consequence: missense variant.
Genome position (GRCh38, 1-based): chr3:48,575,077, G>C on the plus strand (C>G on the coding strand, the complement: COL7A1 is on the minus strand). VCF-style: chr3-48575077-G-C. GRCh37 (hg19) VCF-style: chr3-48612510-G-C.
Other names: short protein forms P2089R.
Identifiers: ClinVar variation 2791518 (VCV002791518.3), dbSNP rs111460426, ClinGen allele CA73976976.